The following is an entry in ClinVar:

NM_012233.3(RAB3GAP1):c.2617T>C (p.Cys873Arg)

Gene: RAB3GAP1 (RAB3 GTPase activating protein catalytic subunit 1; plus strand). Cytogenetic location: 2q21.3.
Variant type: single nucleotide variant.
Coding change: c.2617T>C on transcript NM_012233.3 (MANE Select); coding-DNA position 2617, T replaced by C.
Protein change: p.Cys873Arg; replaces cysteine 873 with arginine.
Molecular consequence: missense variant.
Genome position (GRCh38, 1-based): chr2:135,164,604, T>C. VCF-style: chr2-135164604-T-C. GRCh37 (hg19) VCF-style: chr2-135922174-T-C.
Other names: c.2617T>C, p.Cys873Arg (NM_001172435.2); short protein forms C873R.
Identifiers: ClinVar variation 1311882 (VCV001311882.3), dbSNP rs375263858, ClinGen allele CA56585445.

ClinVar aggregate classification (germline): Uncertain significance. Review status: criteria provided, multiple submitters, no conflicts (2 of 4 stars). 2 submissions from 2 submitters: Uncertain significance (2). Last evaluated 2023-09-21.

Conditions:
Inborn genetic diseases. Identifiers: MedGen C0950123, MeSH D030342.

Allele frequency attached by ClinVar (database versions not stated): gnomAD 0.00001; TOPMed 0.00001; gnomAD exomes 0.00002; ESP Exome Variant Server 0.00008.
gnomAD v4.1: 31 of 1,611,882 alleles (0.0019%); highest among the groups gnomAD compares: Non-Finnish European, 0.0026%; no homozygotes.

Submissions (2):

Ambry Genetics
Classification: Uncertain significance for Inborn genetic diseases. Last evaluated: 2023-09-21. Review status: criteria provided, single submitter. Criteria: Ambry Variant Classification Scheme 2023. Collection method: clinical testing. Allele origin: germline.

GeneDx
Classification: Uncertain significance. Last evaluated: 2020-01-14. Review status: criteria provided, single submitter. Criteria: GeneDx Variant Classification Process June 2021. Collection method: clinical testing. Allele origin: germline. Affected: yes.
Comment: Not observed in large population cohorts (Lek et al., 2016); In silico analysis, which includes protein predictors and evolutionary conservation, supports that this variant does not alter protein structure/function; Has not been previously published as pathogenic or benign to our knowledge